The following is an entry in ClinVar:

NM_002526.4(NT5E):c.1314C>T (p.Ser438=)

Gene: NT5E (5'-nucleotidase ecto; plus strand). Cytogenetic location: 6q14.3.
Variant type: single nucleotide variant.
Coding change: c.1314C>T on transcript NM_002526.4 (MANE Select); coding-DNA position 1314, C replaced by T.
Protein change: p.Ser438=; no amino-acid change (serine 438 retained).
Molecular consequence: synonymous variant. On other transcripts: intron variant (1).
Genome position (GRCh38, 1-based): chr6:85,490,611, C>T. VCF-style: chr6-85490611-C-T. GRCh37 (hg19) VCF-style: chr6-86200329-C-T.
Other names: c.1210+1012C>T (NM_001204813.2).
Identifiers: ClinVar variation 4977904 (VCV004977904.1).

ClinVar aggregate classification (germline): Likely benign (1 of 4 stars; one submission).

Conditions:
NT5E-related disorder. Also called: NT5E-related condition.

gnomAD v4.1: 20 of 1,614,082 alleles (0.0012%); highest among the groups gnomAD compares: Admixed American, 0.01%; no homozygotes.

Submission:

PreventionGenetics, part of Exact Sciences
Classification: Likely benign for NT5E-related condition. Last evaluated: 2024-11-18. Review status: criteria provided, single submitter. Criteria: ACMG Guidelines, 2015. Collection method: clinical testing. Allele origin: germline.
Comment: This variant is classified as likely benign based on ACMG/AMP sequence variant interpretation guidelines (Richards et al. 2015 PMID: 25741868, with internal and published modifications).